The following is an entry in ClinVar:

NM_004565.3(PEX14):c.786C>T (p.Ser262=)

Gene: PEX14 (peroxisomal biogenesis factor 14; plus strand). Cytogenetic location: 1p36.22.
Variant type: single nucleotide variant.
Coding change: c.786C>T on transcript NM_004565.3 (MANE Select); coding-DNA position 786, C replaced by T.
Protein change: p.Ser262=; no amino-acid change (serine 262 retained).
Molecular consequence: synonymous variant.
Genome position (GRCh38, 1-based): chr1:10,629,639, C>T. VCF-style: chr1-10629639-C-T. GRCh37 (hg19) VCF-style: chr1-10689696-C-T.
Other names: c.786C>T (NM_004565.2).
Identifiers: ClinVar variation 1114581 (VCV001114581.12), dbSNP rs1286463670, ClinGen allele CA416034476.

ClinVar aggregate classification (germline): Likely benign. Review status: criteria provided, multiple submitters, no conflicts (2 of 4 stars). 3 submissions from 3 submitters: Likely benign (2). 1 of the submissions does not count toward it. Last evaluated 2025-12-24.

Conditions:
PEX14-related disorder. Also called: PEX14-related condition.
Peroxisome biogenesis disorder, complementation group K (CGK). Identifiers: MedGen C1866257, MONDO:0800365.

Allele frequency attached by ClinVar (database versions not stated): gnomAD exomes 0.00001; gnomAD 0.00002; TOPMed 0.00002.
gnomAD v4.1: 15 of 1,613,682 alleles (0.00093%); highest among the groups gnomAD compares: South Asian, 0.0066%; no homozygotes.

Submissions (3):

Labcorp Genetics (formerly Invitae), Labcorp
Classification: Likely benign for Peroxisome biogenesis disorder, complementation group K. Last evaluated: 2025-12-24. Review status: criteria provided, single submitter. Criteria: Invitae Variant Classification Sherloc (09022015). Collection method: clinical testing. Allele origin: germline.

Blueprint Genetics
Classification: Likely benign. Last evaluated: 2024-11-01. Review status: criteria provided, single submitter. Criteria: ACMG Guidelines, 2015. Collection method: clinical testing. Allele origin: germline.

PreventionGenetics, part of Exact Sciences
Classification: Likely benign for PEX14-related condition. Last evaluated: 2021-12-02. Review status: no assertion criteria provided. Collection method: clinical testing. Allele origin: germline. Not counted in ClinVar's aggregate classification.
Comment: This variant is classified as likely benign based on ACMG/AMP sequence variant interpretation guidelines (Richards et al. 2015 PMID: 25741868, with internal and published modifications).